The following is an entry in ClinVar:

NM_015107.3(PHF8):c.3011C>A (p.Ala1004Asp)

Gene: PHF8 (PHD finger protein 8; minus strand). Cytogenetic location: Xp11.22.
Variant type: single nucleotide variant.
Coding change: c.3011C>A on transcript NM_015107.3 (MANE Select); coding-DNA position 3011, C replaced by A.
Protein change: p.Ala1004Asp; replaces alanine 1004 with aspartic acid.
Molecular consequence: missense variant.
Genome position (GRCh38, 1-based): chrX:53,939,222, G>T on the plus strand (C>A on the coding strand, the complement: PHF8 is on the minus strand). VCF-style: chrX-53939222-G-T. GRCh37 (hg19) VCF-style: chrX-53965655-G-T.
Other names: c.3119C>A, p.Ala1040Asp (NM_001184896.1); c.2708C>A, p.Ala903Asp (NM_001184897.2); short protein forms A1004D, A1040D, A903D.
Identifiers: ClinVar variation 3372396 (VCV003372396.1).

ClinVar aggregate classification (germline): Uncertain significance (1 of 4 stars; one submission).

Submission:

GeneDx
Classification: Uncertain significance. Last evaluated: 2024-04-10. Review status: criteria provided, single submitter. Criteria: GeneDx Variant Classification Process June 2021. Collection method: clinical testing. Allele origin: germline. Affected: yes.
Comment: Not observed at significant frequency in large population cohorts (gnomAD); In silico analysis supports that this missense variant has a deleterious effect on protein structure/function; Has not been previously published as pathogenic or benign to our knowledge